The following is an entry in ClinVar:

NM_000159.4(GCDH):c.466G>A (p.Gly156Ser)

Gene: GCDH (glutaryl-CoA dehydrogenase; plus strand). Cytogenetic location: 19p13.13.
Variant type: single nucleotide variant.
Coding change: c.466G>A on transcript NM_000159.4 (MANE Select); coding-DNA position 466, G replaced by A.
Protein change: p.Gly156Ser; replaces glycine 156 with serine.
Molecular consequence: missense variant. On other transcripts: non-coding transcript variant (2).
Genome position (GRCh38, 1-based): chr19:12,893,614, G>A. VCF-style: chr19-12893614-G-A. GRCh37 (hg19) VCF-style: chr19-13004428-G-A.
Other names: c.466G>A, p.Gly156Ser (NM_013976.5); c.466G>A (NM_000159.2); short protein forms G156S.
Identifiers: ClinVar variation 1525740 (VCV001525740.7), dbSNP rs767351827, ClinGen allele CA9234393.

ClinVar aggregate classification (germline): Likely pathogenic. Review status: criteria provided, multiple submitters, no conflicts (2 of 4 stars). 2 submissions from 2 submitters: Likely pathogenic (2). Last evaluated 2023-09-14.

Conditions:
Glutaric aciduria, type 1. Also called: Glutaric Acidemia Type 1; GA I; Glutaric acidemia type I; Glutaryl-CoA dehydrogenase deficiency; Glutaricacidemia Type 1; Glutaricaciduria, type I. Identifiers: Orphanet 25, MedGen C0268595, MONDO:0009281, OMIM 231670.

Allele frequency attached by ClinVar (database versions not stated): gnomAD exomes below 0.00001; ExAC 0.00001; gnomAD 0.00001; TOPMed 0.00002.

Submissions (2):

GeneDx
Classification: Likely pathogenic. Last evaluated: 2023-09-14. Review status: criteria provided, single submitter. Criteria: GeneDx Variant Classification Process June 2021. Collection method: clinical testing. Allele origin: germline. Affected: yes.
Comment: Reported in a cohort of individuals with inborn errors of metabolism (Adhikari AN et al., 2020); Not observed at significant frequency in large population cohorts (gnomAD); In silico analysis supports that this missense variant has a deleterious effect on protein structure/function; This variant is associated with the following publications: (PMID: 32778825, 16377226)

Labcorp Genetics (formerly Invitae), Labcorp
Classification: Likely pathogenic for Glutaric aciduria, type 1. Last evaluated: 2021-10-02. Review status: criteria provided, single submitter. Criteria: Invitae Variant Classification Sherloc (09022015). Collection method: clinical testing. Allele origin: germline.
Comment: This variant is present in population databases (rs767351827, ExAC 0.01%). This sequence change replaces glycine with serine at codon 156 of the GCDH protein (p.Gly156Ser). The glycine residue is highly conserved and there is a small physicochemical difference between glycine and serine. This variant has not been reported in the literature in individuals affected with GCDH-related conditions. In summary, the currently available evidence indicates that the variant is pathogenic, but additional data are needed to prove that conclusively. Therefore, this variant has been classified as Likely Pathogenic. This variant disrupts the p.Gly156 amino acid residue in GCDH. Other variant(s) that disrupt this residue have been determined to be pathogenic (PMID: 16377226). This suggests that this residue is clinically significant, and that variants that disrupt this residue are likely to be disease-causing. Algorithms developed to predict the effect of sequence changes on RNA splicing suggest that this variant may create or strengthen a splice site. Advanced modeling of protein sequence and biophysical properties (such as structural, functional, and spatial information, amino acid conservation, physicochemical variation, residue mobility, and thermodynamic stability) performed at Invitae indicates that this missense variant is expected to disrupt GCDH protein function.

Literature cited by the submitters: PubMed 16377226 (cited by Labcorp Genetics (formerly Invitae), Labcorp).